The following is an entry in ClinVar:

ClinVar aggregate classification (germline): Uncertain significance (1 of 4 stars; one submission).

Allele frequency attached by ClinVar (database versions not stated): gnomAD exomes below 0.00001.
gnomAD v4.1: 1 of 1,609,448 alleles (0.000062%); highest among the groups gnomAD compares: Non-Finnish European, 0.000085%; no homozygotes.

Submission:

Labcorp Genetics (formerly Invitae), Labcorp
Classification: Uncertain significance. Last evaluated: 2025-07-07. Review status: criteria provided, single submitter. Criteria: Invitae Variant Classification Sherloc (09022015). Collection method: clinical testing. Allele origin: germline.
Comment: This sequence change replaces isoleucine, which is neutral and non-polar, with methionine, which is neutral and non-polar, at codon 83 of the LHCGR protein (p.Ile83Met). This variant is not present in population databases (gnomAD no frequency). This variant has not been reported in the literature in individuals affected with LHCGR-related conditions. ClinVar contains an entry for this variant (Variation ID: 2031349). Invitae Evidence Modeling of protein sequence and biophysical properties (such as structural, functional, and spatial information, amino acid conservation, physicochemical variation, residue mobility, and thermodynamic stability) indicates that this missense variant is not expected to disrupt LHCGR protein function with a negative predictive value of 80%. In summary, the available evidence is currently insufficient to determine the role of this variant in disease. Therefore, it has been classified as a Variant of Uncertain Significance.

NM_000233.4(LHCGR):c.249T>G (p.Ile83Met)

Genes: LHCGR (luteinizing hormone/choriogonadotropin receptor; minus strand), STON1-GTF2A1L (STON1-GTF2A1L readthrough; plus strand). Cytogenetic location: 2p16.3.
Variant type: single nucleotide variant.
Coding change: c.249T>G on transcript NM_000233.4 (MANE Select); coding-DNA position 249, T replaced by G.
Protein change: p.Ile83Met; replaces isoleucine 83 with methionine.
Molecular consequence: missense variant. On other transcripts: intron variant (1).
Genome position (GRCh38, 1-based): chr2:48,729,212, A>C on the plus strand (T>G on the coding strand, the complement: LHCGR is on the minus strand). VCF-style: chr2-48729212-A-C. GRCh37 (hg19) VCF-style: chr2-48956351-A-C.
Other names: c.3442-47068A>C (NM_001198593.2); short protein forms I83M.
Identifiers: ClinVar variation 2031349 (VCV002031349.4), dbSNP rs2529875013, ClinGen allele CA346760437.